The following is an entry in ClinVar:

ClinVar aggregate classification (germline): Uncertain significance (1 of 4 stars; one submission).

Conditions:
Developmental and epileptic encephalopathy. Identifiers: MedGen C5779964, MONDO:0100620.

Allele frequency attached by ClinVar (database versions not stated): gnomAD exomes below 0.00001; gnomAD 0.00001; TOPMed 0.00001.

Submission:

Labcorp Genetics (formerly Invitae), Labcorp
Classification: Uncertain significance for Early-infantile DEE. Last evaluated: 2019-12-27. Review status: criteria provided, single submitter. Criteria: Invitae Variant Classification Sherloc (09022015). Collection method: clinical testing. Allele origin: germline.
Comment: This sequence change results in a frameshift in the CACNA2D2 gene (p.Val1137Profs*38). While this is not anticipated to result in nonsense mediated decay, it is expected to disrupt the last 7 amino acids of the CACNA2D2 protein and extend the protein by an additional 30 amino acids. This variant is not present in population databases (ExAC no frequency). This variant has not been reported in the literature in individuals with CACNA2D2-related conditions. Experimental studies and prediction algorithms are not available or were not evaluated, and the functional significance of this variant is currently unknown. In summary, the available evidence is currently insufficient to determine the role of this variant in disease. Therefore, it has been classified as a Variant of Uncertain Significance.

NM_006030.4(CACNA2D2):c.3409_3425del (p.Val1137fs)

Genes: CACNA2D2 (calcium voltage-gated channel auxiliary subunit alpha2delta 2; minus strand), LOC127898564 (CYB561D2-LOC101928965; plus strand). Cytogenetic location: 3p21.31.
Variant type: Deletion.
Coding change: c.3409_3425del on transcript NM_006030.4 (MANE Select); coding-DNA positions 3409 to 3425, 17 bases deleted (GTCCACGCCTCTCGCCG).
Protein change: p.Val1137fs; shifts the reading frame from valine 1137.
Molecular consequence: frameshift variant.
Genome position (GRCh38, 1-based): chr3:50,364,673-50,364,689, CGGCGAGAGGCGTGGAC deleted on the plus strand (GTCCACGCCTCTCGCCG on the coding strand, the reverse complement: CACNA2D2 is on the minus strand). VCF-style (leftmost placement, unchanged base first): chr3-50364672-GCGGCGAGAGGCGTGGAC-G. GRCh37 (hg19) VCF-style: chr3-50402103-GCGGCGAGAGGCGTGGAC-G.
Other names: c.3415_3431del, p.Val1139fs (NM_001005505.3); c.3430_3446del, p.Val1144fs (NM_001174051.3); c.3208_3224del, p.Val1070fs (NM_001291101.1); short protein forms V1144fs, V1070fs, V1137fs, V1139fs.
Identifiers: ClinVar variation 858251 (VCV000858251.6), dbSNP rs1222641070, ClinGen allele CA907904623.
Genomic context (GRCh38, chr3:50,364,672, plus strand): 5'-GAAAGGCGAAGAGGCCGGGTGAGGTGGGAGTGGAGGTGGGGTGGGGCAGGGTGCTCAGAG[GCGGCGAGAGGCGTGGAC>G]GAGGACTTGAGGCTGCGGCCGGGGCGGCAGGCCCAGGAGGAGCAGCAGTTGCAGGGAGAC-3'